The following is an entry in ClinVar:

ClinVar aggregate classification (germline): Uncertain significance (1 of 4 stars; one submission).

Allele frequency attached by ClinVar (database versions not stated): gnomAD 0.00001; TOPMed 0.00001.
gnomAD v4.1: 2 of 1,608,726 alleles (0.00012%); highest among the groups gnomAD compares: Non-Finnish European, 0.00017%; no homozygotes.

Submission:

Labcorp Genetics (formerly Invitae), Labcorp
Classification: Uncertain significance. Last evaluated: 2024-04-25. Review status: criteria provided, single submitter. Criteria: Invitae Variant Classification Sherloc (09022015). Collection method: clinical testing. Allele origin: germline.
Comment: This sequence change replaces glycine, which is neutral and non-polar, with arginine, which is basic and polar, at codon 46 of the RAB28 protein (p.Gly46Arg). This variant is not present in population databases (gnomAD no frequency). This missense change has been observed in individual(s) with cone dystrophy (Invitae). ClinVar contains an entry for this variant (Variation ID: 955059). An algorithm developed to predict the effect of missense changes on protein structure and function (PolyPhen-2) suggests that this variant is likely to be disruptive. In summary, the available evidence is currently insufficient to determine the role of this variant in disease. Therefore, it has been classified as a Variant of Uncertain Significance.

NM_001017979.3(RAB28):c.136G>C (p.Gly46Arg)

Gene: RAB28 (RAB28, member RAS oncogene family; minus strand). Cytogenetic location: 4p15.33.
Variant type: single nucleotide variant.
Coding change: c.136G>C on transcript NM_001017979.3 (MANE Select); coding-DNA position 136, G replaced by C.
Protein change: p.Gly46Arg; replaces glycine 46 with arginine.
Molecular consequence: missense variant.
Genome position (GRCh38, 1-based): chr4:13,479,466, C>G on the plus strand (G>C on the coding strand, the complement: RAB28 is on the minus strand). VCF-style: chr4-13479466-C-G. GRCh37 (hg19) VCF-style: chr4-13481090-C-G.
Other names: c.136G>C, p.Gly46Arg (NM_001159601.2, NM_004249.4); short protein forms G46R.
Identifiers: ClinVar variation 955059 (VCV000955059.9), dbSNP rs758563787, ClinGen allele CA356374877.